The following is an entry in ClinVar:

ClinVar aggregate classification (germline): Uncertain significance. Review status: criteria provided, multiple submitters, no conflicts (2 of 4 stars). 2 submissions from 2 submitters: Uncertain significance (2). Last evaluated 2019-01-24.

Conditions:
Myofibrillar myopathy 7. Identifiers: MedGen C4310711, MONDO:0014922, OMIM 617114.

Allele frequency attached by ClinVar (database versions not stated): gnomAD exomes 0.00007 and 0.00024; ExAC 0.00012; gnomAD 0.00031 and 0.00034; TOPMed 0.00038.
gnomAD v4.1: 171 of 1,612,690 alleles (0.011%); highest among the groups gnomAD compares: Admixed American, 0.14%; no homozygotes.

Submissions (2):

Baylor Genetics
Classification: Uncertain significance for Myofibrillar myopathy 7. Last evaluated: 2019-01-24. Review status: criteria provided, single submitter. Criteria: ACMG Guidelines, 2015. Collection method: clinical testing. Allele origin: unknown. Affected: yes.
Comment: This variant was determined to be of uncertain significance according to ACMG Guidelines, 2015 [PMID:25741868].

Breakthrough Genomics
Classification: Uncertain significance. Review status: criteria provided, single submitter. Criteria: ACMG Guidelines, 2015. Collection method: not provided. Allele origin: germline. Inheritance: Autosomal recessive inheritance. Affected: yes.

NM_178554.6(KY):c.884C>G (p.Ser295Cys)

Genes: CEP63 (centrosomal protein 63; plus strand), KY (kyphoscoliosis peptidase; minus strand). Cytogenetic location: 3q22.2.
Variant type: single nucleotide variant.
Coding change: c.884C>G on transcript NM_178554.6 (MANE Select); coding-DNA position 884, C replaced by G.
Protein change: p.Ser295Cys; replaces serine 295 with cysteine.
Molecular consequence: missense variant.
Genome position (GRCh38, 1-based): chr3:134,610,210, G>C on the plus strand (C>G on the coding strand, the complement: KY is on the minus strand). VCF-style: chr3-134610210-G-C. GRCh37 (hg19) VCF-style: chr3-134329052-G-C.
Other names: c.836C>G, p.Ser279Cys (NM_001350859.2); c.758C>G, p.Ser253Cys (NM_001350860.2); c.821C>G, p.Ser274Cys (NM_001366276.1); c.884C>G, p.Ser295Cys (NM_001366277.2); short protein forms S279C, S274C, S295C, S253C.
Identifiers: ClinVar variation 1031310 (VCV001031310.2), dbSNP rs774464040, ClinGen allele CA2629148.